The following is an entry in ClinVar:

NM_000171.4(GLRA1):c.557G>T (p.Ser186Ile)

Gene: GLRA1 (glycine receptor alpha 1; minus strand). Cytogenetic location: 5q33.1.
Variant type: single nucleotide variant.
Coding change: c.557G>T on transcript NM_000171.4 (MANE Select); coding-DNA position 557, G replaced by T.
Protein change: p.Ser186Ile; replaces serine 186 with isoleucine.
Molecular consequence: missense variant.
Genome position (GRCh38, 1-based): chr5:151,856,303, C>A on the plus strand (G>T on the coding strand, the complement: GLRA1 is on the minus strand). VCF-style: chr5-151856303-C-A. GRCh37 (hg19) VCF-style: chr5-151235864-C-A.
Other names: c.557G>T, p.Ser186Ile (NM_001146040.2); c.308G>T, p.Ser103Ile (NM_001292000.2); short protein forms S103I, S186I.
Identifiers: ClinVar variation 4291868 (VCV004291868.1).

ClinVar aggregate classification (germline): Uncertain significance (1 of 4 stars; one submission).

Conditions:
Hyperekplexia 1 (STHE). Also called: HYPEREKPLEXIA 1, AUTOSOMAL DOMINANT; HYPEREKPLEXIA 1, AUTOSOMAL RECESSIVE; EXAGGERATED STARTLE REACTION; KOK DISEASE; STARTLE DISEASE, FAMILIAL; STIFF-BABY SYNDROME. Identifiers: Orphanet 3197, MedGen C4551954, MONDO:0007868, OMIM 149400.

Submission:

3billion
Classification: Uncertain significance for Hyperekplexia 1. Last evaluated: 2024-12-19. Review status: criteria provided, single submitter. Criteria: ACMG Guidelines, 2015. Collection method: clinical testing. Allele origin: germline. Affected: yes.
Comment: The variant is not observed in the gnomAD v4.1.0 dataset. Predicted Consequence/Location: Missense variant In silico tool predictions suggest damaging effect of the variant on gene or gene product [REVEL: 0.95 (>=0.6, sensitivity 0.68 and specificity 0.92); 3Cnet: 0.96 (>=0.6, sensitivity 0.72 and precision 0.9)]. Therefore, this variant is classified as VUS according to the recommendation of ACMG/AMP guideline.